The following is an entry in ClinVar:

ClinVar aggregate classification (germline): Uncertain significance (1 of 4 stars; one submission).

Allele frequency attached by ClinVar (database versions not stated): gnomAD exomes below 0.00001; gnomAD 0.00001.
gnomAD v4.1: 2 of 1,613,668 alleles (0.00012%); highest among the groups gnomAD compares: African/African-American, 0.0027%; no homozygotes.

Submission:

Labcorp Genetics (formerly Invitae), Labcorp
Classification: Uncertain significance. Last evaluated: 2022-10-24. Review status: criteria provided, single submitter. Criteria: Invitae Variant Classification Sherloc (09022015). Collection method: clinical testing. Allele origin: germline.
Comment: This sequence change replaces glutamine, which is neutral and polar, with arginine, which is basic and polar, at codon 67 of the POC1B protein (p.Gln67Arg). This variant is not present in population databases (gnomAD no frequency). This variant has not been reported in the literature in individuals affected with POC1B-related conditions. Advanced modeling of protein sequence and biophysical properties (such as structural, functional, and spatial information, amino acid conservation, physicochemical variation, residue mobility, and thermodynamic stability) performed at Invitae indicates that this missense variant is not expected to disrupt POC1B protein function. In summary, the available evidence is currently insufficient to determine the role of this variant in disease. Therefore, it has been classified as a Variant of Uncertain Significance.

NM_172240.3(POC1B):c.200A>G (p.Gln67Arg)

Genes: POC1B (POC1 centriolar protein B; minus strand), POC1B-DUSP6 (POC1B-DUSP6 readthrough; minus strand). Cytogenetic location: 12q21.33.
Variant type: single nucleotide variant.
Coding change: c.200A>G on transcript NM_172240.3 (MANE Select); coding-DNA position 200, A replaced by G.
Protein change: p.Gln67Arg; replaces glutamine 67 with arginine.
Molecular consequence: missense variant.
Genome position (GRCh38, 1-based): chr12:89,497,243, T>C on the plus strand (A>G on the coding strand, the complement: POC1B is on the minus strand). VCF-style: chr12-89497243-T-C. GRCh37 (hg19) VCF-style: chr12-89891020-T-C.
Other names: c.74A>G, p.Gln25Arg (NM_001199777.2); short protein forms Q25R, Q67R.
Identifiers: ClinVar variation 1933030 (VCV001933030.2), dbSNP rs1316799407, ClinGen allele CA385993828.
Genomic context (GRCh38, chr12:89,497,243, plus strand): 5'-CAGAGTCTCACGGTTCTGTCTCGTGAGGCAGACGCCAATAAGTTTCCATGTGGAGAAAAC[T>C]GCACGCTGGTTACAACATCCTTGTGACCCACATATCTGTAAGCTCTAGCATGTGGCTTGA-3'
Protein context (NP_758440.1, residues 57-77): VGHKDVVTSV[Gln67Arg]FSPHGNLLAS